The following is an entry in ClinVar:

ClinVar aggregate classification (germline): Uncertain significance. Review status: criteria provided, multiple submitters, no conflicts (2 of 4 stars). 2 submissions from 2 submitters: Uncertain significance (2). Last evaluated 2025-10-29.

Conditions:
Inborn genetic diseases. Identifiers: MedGen C0950123, MeSH D030342.

Allele frequency attached by ClinVar (database versions not stated): gnomAD 0.00001; TOPMed 0.00002.

Submissions (2):

Ambry Genetics
Classification: Uncertain significance for Inborn genetic diseases. Last evaluated: 2025-10-29. Review status: criteria provided, single submitter. Criteria: Ambry Variant Classification Scheme 2023. Collection method: clinical testing. Allele origin: germline.

Labcorp Genetics (formerly Invitae), Labcorp
Classification: Uncertain significance. Last evaluated: 2025-01-21. Review status: criteria provided, single submitter. Criteria: Invitae Variant Classification Sherloc (09022015). Collection method: clinical testing. Allele origin: germline.
Comment: This sequence change replaces aspartic acid, which is acidic and polar, with tyrosine, which is neutral and polar, at codon 576 of the FGFR3 protein (p.Asp576Tyr). This variant is not present in population databases (gnomAD no frequency). This variant has not been reported in the literature in individuals affected with FGFR3-related conditions. ClinVar contains an entry for this variant (Variation ID: 1932753). Invitae Evidence Modeling of protein sequence and biophysical properties (such as structural, functional, and spatial information, amino acid conservation, physicochemical variation, residue mobility, and thermodynamic stability) indicates that this missense variant is not expected to disrupt FGFR3 protein function with a negative predictive value of 80%. In summary, the available evidence is currently insufficient to determine the role of this variant in disease. Therefore, it has been classified as a Variant of Uncertain Significance.

NM_000142.5(FGFR3):c.1726G>T (p.Asp576Tyr)

Gene: FGFR3 (fibroblast growth factor receptor 3; plus strand). Cytogenetic location: 4p16.3.
Variant type: single nucleotide variant.
Coding change: c.1726G>T on transcript NM_000142.5 (MANE Select); coding-DNA position 1726, G replaced by T.
Protein change: p.Asp576Tyr; replaces aspartic acid 576 with tyrosine.
Molecular consequence: missense variant. On other transcripts: non-coding transcript variant (1).
Genome position (GRCh38, 1-based): chr4:1,805,830, G>T. VCF-style: chr4-1805830-G-T. GRCh37 (hg19) VCF-style: chr4-1807557-G-T.
Other names: c.1732G>T, p.Asp578Tyr (NM_001163213.2); c.1729G>T, p.Asp577Tyr (NM_001354809.2, NM_001354810.2); c.1390G>T, p.Asp464Tyr (NM_022965.4); short protein forms D577Y, D578Y, D464Y, D576Y.
Identifiers: ClinVar variation 1932753 (VCV001932753.6), dbSNP rs752311470, ClinGen allele CA91257171.